The following is an entry in ClinVar:

NM_004360.5(CDH1):c.2165-4C>T

Gene: CDH1 (cadherin 1; plus strand). Cytogenetic location: 16q22.1.
Variant type: single nucleotide variant.
Coding change: c.2165-4C>T on transcript NM_004360.5 (MANE Select); 4 bases into the intron before coding-DNA position 2165, C replaced by T.
Molecular consequence: intron variant.
Genome position (GRCh38, 1-based): chr16:68,828,170, C>T. VCF-style: chr16-68828170-C-T. GRCh37 (hg19) VCF-style: chr16-68862073-C-T.
Other names: c.2165-4C>T (LRG_301t1); c.617-4C>T (NM_001317185.2); c.200-4C>T (NM_001317186.2); c.1982-4C>T (NM_001317184.2).
Identifiers: ClinVar variation 414046 (VCV000414046.18), dbSNP rs1060504170, ClinGen allele CA16615263.

ClinVar aggregate classification (germline): Likely benign. Review status: criteria provided, multiple submitters, no conflicts (2 of 4 stars). 4 submissions from 4 submitters: Likely benign (4). Last evaluated 2024-09-20.

Conditions:
Hereditary cancer-predisposing syndrome. Also called: Tumor predisposition; Neoplastic Syndromes, Hereditary; Hereditary Cancer Syndrome; Hereditary neoplastic syndrome. Identifiers: Orphanet 140162, MedGen C0027672, MeSH D009386, MONDO:0015356.
Hereditary diffuse gastric adenocarcinoma (HDGC). Also called: DIFFUSE GASTRIC AND LOBULAR BREAST CANCER SYNDROME. Identifiers: Orphanet 26106, MedGen C1708349, MONDO:0007648, OMIM 137215.

Submissions (4):

Myriad Genetics, Inc.
Classification: Likely benign for Hereditary diffuse gastric adenocarcinoma. Last evaluated: 2024-09-20. Review status: criteria provided, single submitter. Criteria: Myriad Autosomal Dominant, Autosomal Recessive and X-Linked Classification Criteria (2023). Collection method: clinical testing. Allele origin: unknown.
Comment: This variant is considered likely benign. This variant is intronic and is not expected to impact mRNA splicing.

Labcorp Genetics (formerly Invitae), Labcorp
Classification: Likely benign for Hereditary diffuse gastric adenocarcinoma. Last evaluated: 2024-07-30. Review status: criteria provided, single submitter. Criteria: Invitae Variant Classification Sherloc (09022015). Collection method: clinical testing. Allele origin: germline.

Ambry Genetics
Classification: Likely benign for Hereditary cancer-predisposing syndrome. Last evaluated: 2023-07-20. Review status: criteria provided, single submitter. Criteria: Ambry Variant Classification Scheme 2023. Collection method: clinical testing. Allele origin: germline.

GeneDx
Classification: Likely benign. Last evaluated: 2017-12-06. Review status: criteria provided, single submitter. Criteria: GeneDx Variant Classification (06012015). Collection method: clinical testing. Allele origin: germline. Affected: yes.
Comment: This variant is considered likely benign or benign based on one or more of the following criteria: it is a conservative change, it occurs at a poorly conserved position in the protein, it is predicted to be benign by multiple in silico algorithms, and/or has population frequency not consistent with disease.